The following is an entry in ClinVar:

ClinVar aggregate classification (germline): Pathogenic. Review status: reviewed by expert panel (3 of 4 stars). 5 submissions from 5 submitters: Pathogenic (1). 4 of the submissions do not count toward it. Last evaluated 2023-09-21.

Conditions:
Hereditary antithrombin deficiency (AT3D). Also called: Antithrombin III deficiency; Thrombophilia due to antithrombin III deficiency; Reduced antithrombin III activity; Antithrombin deficiency. Identifiers: Orphanet 82, MedGen C0272375, MONDO:0013144, OMIM 613118, HP:0001976.

Allele frequency attached by ClinVar (database versions not stated): gnomAD exomes below 0.00001 and 0.00004; gnomAD 0.00001; TOPMed 0.00001.
gnomAD v4.1: 60 of 1,614,044 alleles (0.0037%); highest among the groups gnomAD compares: Non-Finnish European, 0.0049%; no homozygotes.

Submissions (5):

Clingen Thrombosis Variant Curation Expert Panel, ClinGen
Classification: Pathogenic for Hereditary antithrombin deficiency. Last evaluated: 2023-09-21. Review status: reviewed by expert panel. Criteria: ClinGen ACMG Specifications SERPINC1 V1.0.0. Collection method: curation. Allele origin: germline. Inheritance: Autosomal dominant inheritance.
Comment: The NM_000488.4(SERPINC1):c.655A>G (p.Asn219Asp) missense variant is reported at a Popmax FAF of 0.00000488 (non-Finnish European) in gnomAD v3.1.2 and a frequency of 0.000008792 (1/113744) in gnomAD v2.1.1, meeting criteria for PM2_Supporting. It has a REVEL score of 0.898 (PP3 is >0.6). One proband from PMID: 28300866 (family of four affected individuals), 2 probands from PMID: 15630491, 1 proband from PMID: 7989582, and 1 proband from PMID: 7795154 meet phenotype criteria for PS4, PP4 and PP1_Strong. Of note, PMID: 30005274 reports that the Asn219Asp variant associated with Type II RS is hardly detected by the different anti-FXa or anti-FIIa assay methods. In summary, the variant meets criteria to be classified as pathogenic. ACMG/AMP criteria applied, as specified by the Thrombosis Variant Curation Expert Panel for SERPINC1: PS4, PP1_Strong, PP3, PP4, PM2_Supporting.

Labcorp Genetics (formerly Invitae), Labcorp
Classification: Pathogenic for Hereditary antithrombin deficiency. Last evaluated: 2025-06-15. Review status: criteria provided, single submitter. Criteria: Invitae Variant Classification Sherloc (09022015). Collection method: clinical testing. Allele origin: germline. Not counted in ClinVar's aggregate classification.
Comment: This sequence change replaces asparagine, which is neutral and polar, with aspartic acid, which is acidic and polar, at codon 219 of the SERPINC1 protein (p.Asn219Asp). This variant is present in population databases (rs121909571, gnomAD 0.0009%). This missense change has been observed in individuals with autosomal dominant clinical features of antithrombin deficiency (PMID: 7989582, 15630491, 28300866). It has also been observed to segregate with disease in related individuals. This variant is also known as N187D, Rouen-VI. ClinVar contains an entry for this variant (Variation ID: 18042). Invitae Evidence Modeling of protein sequence and biophysical properties (such as structural, functional, and spatial information, amino acid conservation, physicochemical variation, residue mobility, and thermodynamic stability) indicates that this missense variant is expected to disrupt SERPINC1 protein function with a positive predictive value of 95%. For these reasons, this variant has been classified as Pathogenic.

Genetics and Molecular Pathology, SA Pathology
Classification: Pathogenic for Hereditary antithrombin deficiency. Last evaluated: 2020-06-10. Review status: criteria provided, single submitter. Criteria: ACMG Guidelines, 2015. Collection method: clinical testing. Allele origin: germline. Affected: yes. Not counted in ClinVar's aggregate classification.
Comment: PM2, PM5, PS3, PP5

Institute for Genomic Medicine (IGM) Clinical Laboratory, Nationwide Children's Hospital
Classification: Likely pathogenic for Hereditary antithrombin deficiency. Last evaluated: 2017-10-01. Review status: criteria provided, single submitter. Criteria: ACMG Guidelines, 2015. Collection method: clinical testing. Allele origin: germline. Affected: yes. Not counted in ClinVar's aggregate classification.
Comment: [ACMG/AMP: PM2, PM5, PS4_Moderate, PP2, PP3] This alteration is absent from or rarely observed in large-scale population databases [PM2], is a novel missense change at an amino residue where a different missense change has been deemed to be pathogenic [PM5], has previously been observed in multiple unrelated patients with the same phenotype [PS4_Moderate], is a missense variant in a gene in which missense variants are a common mechanism of disease [PP2], is predicted to be damaging by multiple functional prediction tools [PP3].

OMIM
Classification: Pathogenic for THROMBOPHILIA DUE TO ANTITHROMBIN III DEFICIENCY. Last evaluated: 1994-12-01. Review status: no assertion criteria provided. Collection method: literature only. Allele origin: germline. Not counted in ClinVar's aggregate classification.

Literature cited by the submitters: PubMed 7989582 (cited by Labcorp Genetics (formerly Invitae), Labcorp and OMIM); PubMed 15630491 (cited by Labcorp Genetics (formerly Invitae), Labcorp); PubMed 28300866 (cited by Labcorp Genetics (formerly Invitae), Labcorp).

NM_000488.4(SERPINC1):c.655A>G (p.Asn219Asp)

Gene: SERPINC1 (serpin family C member 1; minus strand). Cytogenetic location: 1q25.1.
Variant type: single nucleotide variant.
Coding change: c.655A>G on transcript NM_000488.4 (MANE Select); coding-DNA position 655, A replaced by G.
Protein change: p.Asn219Asp; replaces asparagine 219 with aspartic acid.
Molecular consequence: missense variant.
Genome position (GRCh38, 1-based): chr1:173,910,861, T>C on the plus strand (A>G on the coding strand, the complement: SERPINC1 is on the minus strand). VCF-style: chr1-173910861-T-C. GRCh37 (hg19) VCF-style: chr1-173879999-T-C.
Other names: N187D; NM_000488.4(SERPINC1):c.655A>G; c.511A>G, p.Asn171Asp (NM_001365052.2); c.655A>G, p.Asn219Asp (NM_001386302.1, NM_001386304.1, NM_001386305.1); c.736A>G, p.Asn246Asp (NM_001386303.1); c.439A>G, p.Asn147Asp (NM_001386306.1); short protein forms N219D, N171D, N147D, N246D.
Identifiers: ClinVar variation 18042 (VCV000018042.9), dbSNP rs121909571, ClinGen allele CA210798.